The following is an entry in ClinVar:

ClinVar aggregate classification (germline): Pathogenic (1 of 4 stars; one submission).

Conditions:
Congenital hyperammonemia, type I. Also called: Carbamoyl-phosphate synthase I deficiency; Carbamoyl phosphate synthetase 1 deficiency; Hyperammonemia due to carbamoyl phosphate synthetase 1 deficiency; CPS 1 deficiency; Carbamyl phosphate synthetase (CPS) deficiency; Carbamoyl phosphate synthetase I deficiency disease. Identifiers: Orphanet 147, MedGen C4082171, MONDO:0009376, OMIM 237300.

Submission:

Labcorp Genetics (formerly Invitae), Labcorp
Classification: Pathogenic for Congenital hyperammonemia, type I. Last evaluated: 2022-06-23. Review status: criteria provided, single submitter. Criteria: Invitae Variant Classification Sherloc (09022015). Collection method: clinical testing. Allele origin: germline.
Comment: This sequence change creates a premature translational stop signal (p.Gly657Valfs*24) in the CPS1 gene. It is expected to result in an absent or disrupted protein product. Loss-of-function variants in CPS1 are known to be pathogenic (PMID: 21120950). This variant has not been reported in the literature in individuals affected with CPS1-related conditions. For these reasons, this variant has been classified as Pathogenic. This variant is not present in population databases (gnomAD no frequency).

Literature cited by the submitters: PubMed 21120950.

NM_001875.5(CPS1):c.1970del (p.Gly657fs)

Gene: CPS1 (carbamoyl-phosphate synthase 1; plus strand). Cytogenetic location: 2q34.
Variant type: Deletion.
Coding change: c.1970del on transcript NM_001875.5 (MANE Select); coding-DNA position 1970, one base deleted (G; older notation c.1970delG).
Protein change: p.Gly657fs; shifts the reading frame from glycine 657.
Molecular consequence: frameshift variant. On other transcripts: non-coding transcript variant (2).
Genome position (GRCh38, 1-based): chr2:210,605,235, G deleted; the last of 3 consecutive G bases (chr2:210,605,233-210,605,235); deleting any one gives the same sequence. VCF-style (leftmost placement, unchanged base first): chr2-210605232-TG-T. GRCh37 (hg19) VCF-style: chr2-211469956-TG-T.
Other names: c.1970del, p.Gly657fs (NM_001122633.3, NM_001369257.1); c.2003del, p.Gly668fs (NM_001369256.1); short protein forms G668fs, G657fs.
Identifiers: ClinVar variation 2009606 (VCV002009606.4), dbSNP rs2469164069, ClinGen allele CA2580065520.